The following is an entry in ClinVar:

ClinVar aggregate classification (germline): Pathogenic (1 of 4 stars; one submission).

Conditions:
Bloom syndrome (BLM). Also called: Bloom-Torre-Machacek syndrome. Identifiers: Orphanet 125, MedGen C0005859, MONDO:0008876, OMIM 210900.

Submission:

Myriad Genetics, Inc.
Classification: Pathogenic for Bloom syndrome. Last evaluated: 2025-11-25. Review status: criteria provided, single submitter. Criteria: Myriad Autosomal Dominant, Autosomal Recessive and X-Linked Classification Criteria (2023). Collection method: clinical testing. Allele origin: unknown.
Comment: NM_000057.3(BLM):c.2953G>T(E985*) is a nonsense variant classified as pathogenic in the context of Bloom syndrome. E985* has not been observed in cases with relevant disease. Relevant functional assessments of this variant are not available in the literature. E985* has not been observed in referenced population frequency databases. In summary, NM_000057.3(BLM):c.2953G>T(E985*) is a nonsense variant in a gene where loss of function is a known mechanism of disease and is predicted to disrupt protein function. Please note: this variant was assessed in the context of healthy population screening.

NM_000057.4(BLM):c.2953G>T (p.Glu985Ter)

Gene: BLM (BLM RecQ like helicase; plus strand). Cytogenetic location: 15q26.1.
Variant type: single nucleotide variant.
Coding change: c.2953G>T on transcript NM_000057.4 (MANE Select); coding-DNA position 2953, G replaced by T.
Protein change: p.Glu985Ter; replaces glutamic acid 985 with a stop codon.
Molecular consequence: nonsense.
Genome position (GRCh38, 1-based): chr15:90,790,778, G>T. VCF-style: chr15-90790778-G-T. GRCh37 (hg19) VCF-style: chr15-91334008-G-T.
Other names: c.2953G>T, p.Glu985Ter (NM_001287246.2, NM_001287247.2); c.1828G>T, p.Glu610Ter (NM_001287248.2); short protein forms E985*, E610*.
Identifiers: ClinVar variation 5003409 (VCV005003409.1).